The following is an entry in ClinVar:

NM_000094.4(COL7A1):c.3605G>A (p.Arg1202His)

Gene: COL7A1 (collagen type VII alpha 1 chain; minus strand). Cytogenetic location: 3p21.31.
Variant type: single nucleotide variant.
Coding change: c.3605G>A on transcript NM_000094.4 (MANE Select); coding-DNA position 3605, G replaced by A.
Protein change: p.Arg1202His; replaces arginine 1202 with histidine.
Molecular consequence: missense variant.
Genome position (GRCh38, 1-based): chr3:48,586,192, C>T on the plus strand (G>A on the coding strand, the complement: COL7A1 is on the minus strand). VCF-style: chr3-48586192-C-T. GRCh37 (hg19) VCF-style: chr3-48623625-C-T.
Other names: short protein forms R1202H.
Identifiers: ClinVar variation 713936 (VCV000713936.24), dbSNP rs149011081, ClinGen allele CA2380466.
Genomic context (GRCh38, chr3:48,586,192, plus strand): 5'-AGGCTTGGCCCATCATCCACGGCGAAGAAGGTCTGGACAGAGTCCATACCCGGCGCCAAG[C>T]GACGCAGCTGCTCTGGGTCCGCTCCAGCCATTCCCAACATCACCACATTAAGCCCTAAGG-3'
Protein context (NP_000085.1, residues 1192-1212): MAGADPEQLR[Arg1202His]LAPGMDSVQT

ClinVar aggregate classification (germline): Conflicting classifications of pathogenicity. Review status: criteria provided, conflicting classifications (1 of 4 stars). 9 submissions from 9 submitters: Uncertain significance (2); Benign (1); Likely benign (4). 2 of the submissions do not count toward it. Last evaluated 2026-03-01.

Conditions:
Amelogenesis imperfecta type 1. Identifiers: Orphanet 100031, MedGen C0399367, MONDO:0015047.
Epidermolysis bullosa dystrophica. Also called: Dystrophic epidermolysis bullosa, Hallopeau-Siemens type (formerly); Dystrophic epidermolysis bullosa. Identifiers: Orphanet 303, MedGen C0079294, MONDO:0006543.
COL7A1-related disorder. Also called: COL7A1-related condition; COL7A1- related disorders.
Recessive dystrophic epidermolysis bullosa (RDEB). Also called: severe generalized recessive dystrophic epidermolysis bullosa; Hallopeau-Siemens Disease; EPIDERMOLYSIS BULLOSA DYSTROPHICA, GENERALIZED SEVERE, AUTOSOMAL RECESSIVE; Epidermolysis Bullosa Distrophica Autosomal Recessive (RDEB); Recessive DEB (RDEB); epidermolysis bullosa dystrophica, autosomal recessive. Identifiers: Orphanet 79408, Orphanet 79409, MedGen C0079474, MONDO:0009179, OMIM 226600.
Generalized dominant dystrophic epidermolysis bullosa (DDEB). Also called: DDEB-gen; DDEB, generalized; DYSTROPHIC EPIDERMOLYSIS BULLOSA, AUTOSOMAL DOMINANT; Epidermolysis bullosa dystrophica, autosomal dominant; Dominant DEB (DDEB). Identifiers: Orphanet 231568, MedGen C0432322, MONDO:0007549, OMIM 131750.

Allele frequency attached by ClinVar (database versions not stated): 1000 Genomes Project 0.00140; 1000 Genomes Project 30x 0.00141; TOPMed 0.00148; gnomAD 0.00163 and 0.00166; ESP Exome Variant Server 0.00185; ExAC 0.00195; gnomAD exomes 0.00206.
gnomAD v4.1: 3,451 of 1,613,376 alleles (0.21%); highest among the groups gnomAD compares: Non-Finnish European, 0.25%; 2 homozygotes.

Submissions (9):

CeGaT Center for Human Genetics Tuebingen
Classification: Likely benign. Last evaluated: 2026-03-01. Review status: criteria provided, single submitter. Criteria: CeGaT Center For Human Genetics Tuebingen Variant Classification Criteria Version 2. Collection method: clinical testing. Allele origin: germline. Affected: yes. Observed: 1 variant allele.
Comment: COL7A1: BS2

Labcorp Genetics (formerly Invitae), Labcorp
Classification: Likely benign. Last evaluated: 2026-02-04. Review status: criteria provided, single submitter. Criteria: Invitae Variant Classification Sherloc (09022015). Collection method: clinical testing. Allele origin: germline.

Blueprint Genetics
Classification: Likely benign. Last evaluated: 2024-11-22. Review status: criteria provided, single submitter. Criteria: ACMG Guidelines, 2015. Collection method: clinical testing. Allele origin: germline.

Reference Center For Rare Oral And Dental Diseases, CRMR O-Rares, Hôpitaux Universitaires De Strasbourg
Classification: Uncertain significance for Amelogenesis imperfecta type 1. Last evaluated: 2023-03-01. Review status: criteria provided, single submitter. Criteria: ACMG Guidelines, 2015. Collection method: clinical testing. Allele origin: inherited. Inheritance: Autosomal dominant inheritance. Affected: yes. Observed: 1 variant allele, 1 heterozygote.

GeneDx
Classification: Likely benign. Last evaluated: 2022-09-29. Review status: criteria provided, single submitter. Criteria: GeneDx Variant Classification Process June 2021. Collection method: clinical testing. Allele origin: germline. Affected: yes.
Comment: See Variant Classification Assertion Criteria.

Department of Pathology and Laboratory Medicine, Sinai Health System
Classification: Benign for recessive dystrophic epidermolysis bullosa. Last evaluated: 2021-07-30. Review status: criteria provided, single submitter. Criteria: ACMG Guidelines, 2015. Collection method: research. Allele origin: germline.

Illumina Laboratory Services, Illumina
Classification: Uncertain significance for Dystrophic epidermolysis bullosa. Last evaluated: 2017-04-27. Review status: criteria provided, single submitter. Criteria: ICSL Variant Classification Criteria 13 December 2019. Collection method: clinical testing. Allele origin: germline.
Comment: This variant was observed as part of a predisposition screen in an ostensibly healthy population. A literature search was performed for the gene, cDNA change, and amino acid change (where applicable). Publications were found based on this search. However, the evidence from the literature, in combination with allele frequency data from public databases where available, was not sufficient to rule this variant in or out of causing disease. Therefore, this variant is classified as a variant of unknown significance.

PreventionGenetics, part of Exact Sciences
Classification: Likely benign for COL7A1-related condition. Last evaluated: 2024-09-11. Review status: no assertion criteria provided. Collection method: clinical testing. Allele origin: germline. Not counted in ClinVar's aggregate classification.
Comment: This variant is classified as likely benign based on ACMG/AMP sequence variant interpretation guidelines (Richards et al. 2015 PMID: 25741868, with internal and published modifications).

Natera, Inc.
Classification: Likely benign for Autosomal dominant dystrophic epidermolysis bullosa. Last evaluated: 2020-06-16. Review status: no assertion criteria provided. Collection method: clinical testing. Allele origin: germline. Not counted in ClinVar's aggregate classification.

Literature cited by the submitters: PubMed 16484981 (cited by Illumina Laboratory Services, Illumina).